The following is an entry in ClinVar:

NM_000742.4(CHRNA2):c.73+4A>C

Gene: CHRNA2 (cholinergic receptor nicotinic alpha 2 subunit; minus strand). Cytogenetic location: 8p21.2.
Variant type: single nucleotide variant.
Coding change: c.73+4A>C on transcript NM_000742.4 (MANE Select); 4 bases into the intron after coding-DNA position 73, A replaced by C.
Molecular consequence: intron variant.
Genome position (GRCh38, 1-based): chr8:27,470,982, T>G on the plus strand (A>C on the coding strand, the complement: CHRNA2 is on the minus strand). VCF-style: chr8-27470982-T-G. GRCh37 (hg19) VCF-style: chr8-27328499-T-G.
Other names: c.-355+4A>C (NM_001347705.2); c.73+4A>C (NM_001282455.2); c.-389+4A>C (NM_001347708.2); c.-400+4A>C (NM_001347706.2); c.-341+4A>C (NM_001347707.2).
Identifiers: ClinVar variation 966494 (VCV000966494.5), dbSNP rs1307812125, ClinGen allele CA580668399.
Genomic context (GRCh38, chr8:27,470,982, plus strand): 5'-CCTACAATTTGTGAGCCCACAGGCATGAGATGAAGTCTTACAATGACAGGTGACAAACAC[T>G]CACCTGCTGGGGTCAGAAGGAGCCACCACAGGCTGAGCTTTGTGAAGGACAGGAACACAG-3'

ClinVar aggregate classification (germline): Uncertain significance. Review status: criteria provided, multiple submitters, no conflicts (2 of 4 stars). 2 submissions from 2 submitters: Uncertain significance (2). Last evaluated 2025-05-05.

Conditions:
Familial sleep-related hypermotor epilepsy. Also called: Autosomal Dominant Sleep-Related Hypermotor (Hyperkinetic) Epilepsy. Identifiers: Orphanet 98784, MedGen C3696898, MONDO:0000030.

Allele frequency attached by ClinVar (database versions not stated): TOPMed 0.00001.

Submissions (2):

GeneDx
Classification: Uncertain significance. Last evaluated: 2025-05-05. Review status: criteria provided, single submitter. Criteria: GeneDx Variant Classification Process June 2021. Collection method: clinical testing. Allele origin: germline. Affected: yes.
Comment: Not observed at significant frequency in large population cohorts (gnomAD); In silico analysis suggests that this variant does not alter splicing; Has not been previously published as pathogenic or benign to our knowledge

Labcorp Genetics (formerly Invitae), Labcorp
Classification: Uncertain significance. Last evaluated: 2024-12-24. Review status: criteria provided, single submitter. Criteria: Invitae Variant Classification Sherloc (09022015). Collection method: clinical testing. Allele origin: germline.
Comment: This sequence change falls in intron 2 of the CHRNA2 gene. It does not directly change the encoded amino acid sequence of the CHRNA2 protein. It affects a nucleotide within the consensus splice site. This variant is present in population databases (no rsID available, gnomAD 0.0009%). This variant has not been reported in the literature in individuals affected with CHRNA2-related conditions. ClinVar contains an entry for this variant (Variation ID: 966494). Variants that disrupt the consensus splice site are a relatively common cause of aberrant splicing (PMID: 17576681, 9536098). Algorithms developed to predict the effect of sequence changes on RNA splicing suggest that this variant may disrupt the consensus splice site. In summary, the available evidence is currently insufficient to determine the role of this variant in disease. Therefore, it has been classified as a Variant of Uncertain Significance.

Literature cited by the submitters: PubMed 17576681 (cited by Labcorp Genetics (formerly Invitae), Labcorp); PubMed 9536098 (cited by Labcorp Genetics (formerly Invitae), Labcorp).